The following is an entry in ClinVar:

NM_013275.6(ANKRD11):c.2917C>T (p.Arg973Trp)

Gene: ANKRD11 (ankyrin repeat domain 11; minus strand). Cytogenetic location: 16q24.3.
Variant type: single nucleotide variant.
Coding change: c.2917C>T on transcript NM_013275.6 (MANE Select); coding-DNA position 2917, C replaced by T.
Protein change: p.Arg973Trp; replaces arginine 973 with tryptophan.
Molecular consequence: missense variant.
Genome position (GRCh38, 1-based): chr16:89,283,625, G>A on the plus strand (C>T on the coding strand, the complement: ANKRD11 is on the minus strand). VCF-style: chr16-89283625-G-A. GRCh37 (hg19) VCF-style: chr16-89350033-G-A.
Other names: c.2917C>T, p.Arg973Trp (NM_001256182.2, NM_001256183.2); short protein forms R973W.
Identifiers: ClinVar variation 1209331 (VCV001209331.11), dbSNP rs202099475, ClinGen allele CA8242475.

ClinVar aggregate classification (germline): Conflicting classifications of pathogenicity. Review status: criteria provided, conflicting classifications (1 of 4 stars). 3 submissions from 3 submitters: Uncertain significance (1); Likely benign (2). Last evaluated 2025-12-30.

Conditions:
KBG syndrome (KBGS). Also called: ANKRD11-Related KBG Syndrome. Identifiers: Orphanet 2332, MedGen C0220687, MONDO:0007846, OMIM 148050.
Inborn genetic diseases. Identifiers: MedGen C0950123, MeSH D030342.

Allele frequency attached by ClinVar (database versions not stated): gnomAD 0.00014 and 0.00016; TOPMed 0.00021; 1000 Genomes Project 30x 0.00031; 1000 Genomes Project 0.00040.
gnomAD v4.1: 62 of 1,610,362 alleles (0.0039%); highest among the groups gnomAD compares: Admixed American, 0.043%; no homozygotes.

Submissions (3):

Labcorp Genetics (formerly Invitae), Labcorp
Classification: Uncertain significance for KBG syndrome. Last evaluated: 2025-12-30. Review status: criteria provided, single submitter. Criteria: Invitae Variant Classification Sherloc (09022015). Collection method: clinical testing. Allele origin: germline.
Comment: This sequence change replaces arginine, which is basic and polar, with tryptophan, which is neutral and slightly polar, at codon 973 of the ANKRD11 protein (p.Arg973Trp). This variant is present in population databases (rs202099475, gnomAD 0.02%). This variant has not been reported in the literature in individuals affected with ANKRD11-related conditions. ClinVar contains an entry for this variant (Variation ID: 1209331). Invitae Evidence Modeling of protein sequence and biophysical properties (such as structural, functional, and spatial information, amino acid conservation, physicochemical variation, residue mobility, and thermodynamic stability) indicates that this missense variant is not expected to disrupt ANKRD11 protein function with a negative predictive value of 95%. In summary, the available evidence is currently insufficient to determine the role of this variant in disease. Therefore, it has been classified as a Variant of Uncertain Significance.

GeneDx
Classification: Likely benign. Last evaluated: 2021-04-13. Review status: criteria provided, single submitter. Criteria: GeneDx Variant Classification Process June 2021. Collection method: clinical testing. Allele origin: germline. Affected: yes.
Comment: In silico analysis, which includes protein predictors and evolutionary conservation, supports that this variant does not alter protein structure/function

Ambry Genetics
Classification: Likely benign for Inborn genetic diseases. Last evaluated: 2019-10-31. Review status: criteria provided, single submitter. Criteria: Ambry Variant Classification Scheme 2023. Collection method: clinical testing. Allele origin: germline.